The following is an entry in ClinVar:

NM_000458.4(HNF1B):c.206_207del (p.His69fs)

Gene: HNF1B (HNF1 homeobox B; minus strand). Cytogenetic location: 17q12.
Variant type: Deletion.
Coding change: c.206_207del on transcript NM_000458.4 (MANE Select); coding-DNA positions 206 to 207, 2 bases deleted (AC; older notation c.206_207delAC).
Protein change: p.His69fs; shifts the reading frame from histidine 69.
Molecular consequence: frameshift variant.
Genome position (GRCh38, 1-based): chr17:37,744,678-37,744,679, GT deleted on the plus strand (AC on the coding strand, the reverse complement: HNF1B is on the minus strand); deleting any 2 consecutive bases within chr17:37,744,678-37,744,680 gives the same sequence; the c. name uses the placement nearest the transcript's 3' end. VCF-style (leftmost placement, unchanged base first): chr17-37744677-CGT-C. GRCh37 (hg19) VCF-style: chr17-36104668-CGT-C.
Other names: c.206_207del, p.His69fs (NM_001165923.4, NM_001304286.2); short protein forms H69fs.
Identifiers: ClinVar variation 635728 (VCV000635728.1), dbSNP rs2511851366, ClinGen allele CA913190805.

ClinVar aggregate classification (germline): Pathogenic (1 of 4 stars; one submission).

Conditions:
Renal cysts and diabetes syndrome (RCAD). Also called: Familial hypoplastic, glomerulocystic kidney; MATURITY-ONSET DIABETES OF THE YOUNG, TYPE 5. Identifiers: Orphanet 93111, MedGen C0431693, MONDO:0007669, OMIM 137920.

Submission:

Institute of Human Genetics, FAU Erlangen, Friedrich-Alexander-Universität Erlangen-Nürnberg
Classification: Pathogenic for Renal cysts and diabetes syndrome. Last evaluated: 2019-07-06. Review status: criteria provided, single submitter. Criteria: ACMG Guidelines, 2015. Collection method: literature only. Allele origin: germline. Affected: yes.
Comment: This variant and it's classification has been reported by Vasileiou et al. 2019; DOI:10.1101/576918. The variants has previously been reported in PMID:19389850; PMID:25700310; PMID:12460054; PMID:25536396; PMID:25536396 as "c.206_207delAC, His69fsdelAC; c.206_207delAC; c.206_207delAC; c.206_207delAC" with clinical significance Pathogenic. It has been re-classified using InterVar and manual curation as Pathogenic based on PVS1 PM2 PP3.

Literature cited by the submitters: PubMed 19389850; PubMed 25700310; PubMed 12460054; PubMed 25536396; DOI 10.1101/576918.